The following is an entry in ClinVar:

NM_016222.4(DDX41):c.1471G>T (p.Val491Phe)

Gene: DDX41 (DEAD-box helicase 41; minus strand). Cytogenetic location: 5q35.3.
Variant type: single nucleotide variant.
Coding change: c.1471G>T on transcript NM_016222.4 (MANE Select); coding-DNA position 1471, G replaced by T.
Protein change: p.Val491Phe; replaces valine 491 with phenylalanine.
Molecular consequence: missense variant.
Genome position (GRCh38, 1-based): chr5:177,512,574, C>A on the plus strand (G>T on the coding strand, the complement: DDX41 is on the minus strand). VCF-style: chr5-177512574-C-A. GRCh37 (hg19) VCF-style: chr5-176939575-C-A.
Other names: c.1093G>T, p.Val365Phe (NM_001321732.2, NM_001321830.2); short protein forms V365F, V491F.
Identifiers: ClinVar variation 4238826 (VCV004238826.1).

ClinVar aggregate classification (germline): Uncertain significance (1 of 4 stars; one submission).

Conditions:
Inborn genetic diseases. Identifiers: MedGen C0950123, MeSH D030342.

Submission:

Ambry Genetics
Classification: Uncertain significance for Inborn genetic diseases. Last evaluated: 2025-09-01. Review status: criteria provided, single submitter. Criteria: Ambry Variant Classification Scheme 2023. Collection method: clinical testing. Allele origin: germline.
Comment: The p.V491F variant (also known as c.1471G>T), located in coding exon 14 of the DDX41 gene, results from a G to T substitution at nucleotide position 1471. The valine at codon 491 is replaced by phenylalanine, an amino acid with highly similar properties. This amino acid position is conserved. In addition, this alteration is predicted to be deleterious by in silico analysis. Based on the available evidence, the clinical significance of this variant remains unclear.